The following is an entry in ClinVar:

ClinVar aggregate classification (germline): Uncertain significance (1 of 4 stars; one submission).

Allele frequency attached by ClinVar (database versions not stated): ExAC 0.00002; gnomAD 0.00002; gnomAD exomes 0.00002; TOPMed 0.00002.

Submission:

GeneDx
Classification: Uncertain significance. Last evaluated: 2022-11-22. Review status: criteria provided, single submitter. Criteria: GeneDx Variant Classification Process June 2021. Collection method: clinical testing. Allele origin: germline. Affected: yes.
Comment: Not observed at significant frequency in large population cohorts (gnomAD); In silico analysis supports that this missense variant does not alter protein structure/function; Has not been previously published as pathogenic or benign to our knowledge

NM_152416.4(NDUFAF6):c.466G>A (p.Val156Ile)

Gene: NDUFAF6 (NADH:ubiquinone oxidoreductase complex assembly factor 6; plus strand). Cytogenetic location: 8q22.1.
Variant type: single nucleotide variant.
Coding change: c.466G>A on transcript NM_152416.4 (MANE Select); coding-DNA position 466, G replaced by A.
Protein change: p.Val156Ile; replaces valine 156 with isoleucine.
Molecular consequence: missense variant. On other transcripts: non-coding transcript variant (6).
Genome position (GRCh38, 1-based): chr8:95,041,615, G>A. VCF-style: chr8-95041615-G-A. GRCh37 (hg19) VCF-style: chr8-96053843-G-A.
Other names: c.190G>A, p.Val64Ile (NM_001330582.2, NM_001354514.2, NM_001354515.2 and 1 more transcripts); c.310G>A, p.Val104Ile (NM_001354516.2); c.133G>A, p.Val45Ile (NM_001354517.2, NM_001354518.2, NM_001354519.2 and 1 more transcripts); c.10G>A, p.Val4Ile (NM_001354522.2, NM_001354524.2, NM_001354525.2 and 7 more transcripts); short protein forms V104I, V156I, V45I, V4I, V64I.
Identifiers: ClinVar variation 2502595 (VCV002502595.1), dbSNP rs750380174, ClinGen allele CA4814798.